The following is an entry in ClinVar:

NM_000552.5(VWF):c.3692A>C (p.Asn1231Thr)

Gene: VWF (von Willebrand factor; minus strand). Cytogenetic location: 12p13.31.
Variant type: single nucleotide variant.
Coding change: c.3692A>C on transcript NM_000552.5 (MANE Select); coding-DNA position 3692, A replaced by C.
Protein change: p.Asn1231Thr; replaces asparagine 1231 with threonine.
Molecular consequence: missense variant.
Genome position (GRCh38, 1-based): chr12:6,019,726, T>G on the plus strand (A>C on the coding strand, the complement: VWF is on the minus strand). VCF-style: chr12-6019726-T-G. GRCh37 (hg19) VCF-style: chr12-6128892-T-G.
Other names: NM_000552.5(VWF):c.3692A>C; p.Asn1231Thr; c.3692A>C (NM_000552.4); short protein forms N1231T.
Identifiers: ClinVar variation 100275 (VCV000100275.43), dbSNP rs61749368, ClinGen allele CA228435.

ClinVar aggregate classification (germline): Likely benign. Review status: reviewed by expert panel (3 of 4 stars). 12 submissions from 12 submitters: Likely benign (1). 11 of the submissions do not count toward it. Last evaluated 2024-08-12.

Conditions:
Hereditary von Willebrand disease. Identifiers: Orphanet 903, MedGen C5703318, MONDO:0019565. Inheritance: Autosomal recessive or Autosomal dominant.
Abnormality of coagulation. Identifiers: MedGen C1846821, HP:0001928.

Allele frequency attached by ClinVar (database versions not stated): 1000 Genomes Project 0.00499; 1000 Genomes Project 30x 0.00734.
gnomAD v4.1: 3,394 of 1,610,398 alleles (0.21%); highest among the groups gnomAD compares: African/African-American, 1.2%; 14 homozygotes.

Submissions (12):

ClinGen von Willebrand Disease Variant Curation Expert Panel, ClinGen
Classification: Likely benign for Hereditary von Willebrand disease. Last evaluated: 2024-08-12. Review status: reviewed by expert panel. Criteria: ClinGen VWD 2A B M Rules. Collection method: curation. Allele origin: germline.
Comment: NM_000552.5(VWF):c.3692A>C is a missense variant encoding a substitution of asparagine by threonine at position 1231. It has been reported in at least seven probands, two of whom have a phenotype specific for VWD Type 2B and one of whom has a phenotype specific for VWD Type 2M (PMID: 8134377, PMID: 17190853, PMID: 31064749, PMID: 16115133). However, the phenotypes are not consistent, and other variants present in cis or in trans are suspected to be disease-causing. At least one patient with this variant displayed excessive mucocutaneous bleeding as well as a laboratory phenotypes of loss of high molecular weight multimers and increased ristocetin-induced platelet aggregation showing gain of function, which together are highly specific for VWD type 2B (PMID: 8134377, PMID: 2657729). Although three other genotype-positive family members were similarly affected with a VWD Type 2B phenotype, the patients harbored other variants in cis, including p.Arg1306Trp, which has been classified as Pathogenic by the ClinGen VWD VCEP (BP5). The variant has also been observed in at least two control individuals (PMID: 22197721). REVEL gives a score of 0.069, which is below the ClinGen VWD VCEP threshold of <0.290 and does not predict a damaging effect on VWF function (BP4). Additionally, the computational splicing predictor SpliceAI indicated that the variant has no impact on splicing. RIPA studies indicate that this variant does not contribute to enhanced ristocetin-induced platelet aggregation and that another variant found in the same patient was responsible instead (PMID: 16115133). The Grpmax filtering allele frequency in gnomAD v4.1 is 0.01138 (based on 900/74802 alleles in the African/African-American population, including 7 homozygotes), which is above the ClinGen VWD VCEP threshold (>0.01) for BS1. In summary, the variant meets the criteria to be classified as likely benign based on the ACMG/AMP criteria applied, as specified by the ClinGen VWD VCEP: BS1, BP5, BP4.

CeGaT Center for Human Genetics Tuebingen
Classification: Benign. Last evaluated: 2026-02-01. Review status: criteria provided, single submitter. Criteria: CeGaT Center For Human Genetics Tuebingen Variant Classification Criteria Version 2. Collection method: clinical testing. Allele origin: germline. Affected: yes. Observed: 2 variant alleles. Not counted in ClinVar's aggregate classification.
Comment: VWF: PM5, BP4, BS1, BS2

ARUP Laboratories, Molecular Genetics and Genomics, ARUP Laboratories
Classification: Likely benign. Last evaluated: 2025-07-30. Review status: criteria provided, single submitter. Criteria: ARUP Molecular Germline Variant Investigation Process 2024. Collection method: clinical testing. Allele origin: germline. Not counted in ClinVar's aggregate classification.

Blueprint Genetics
Classification: Likely benign. Last evaluated: 2024-11-27. Review status: criteria provided, single submitter. Criteria: ACMG Guidelines, 2015. Collection method: clinical testing. Allele origin: germline. Not counted in ClinVar's aggregate classification.

Mayo Clinic Laboratories, Mayo Clinic
Classification: Likely benign. Last evaluated: 2023-07-17. Review status: criteria provided, single submitter. Criteria: ACMG Guidelines, 2015. Collection method: clinical testing. Allele origin: germline. Observed: 5 variant alleles. Not counted in ClinVar's aggregate classification.
Comment: BS3, BP4, PM1_supporting

Quest Diagnostics Nichols Institute San Juan Capistrano
Classification: Benign. Last evaluated: 2021-11-19. Review status: criteria provided, single submitter. Criteria: Quest Diagnostics criteria. Collection method: clinical testing. Allele origin: unknown. Not counted in ClinVar's aggregate classification.

NIHR Bioresource Rare Diseases, University of Cambridge
Classification: Uncertain significance for Abnormality of coagulation. Last evaluated: 2019-02-01. Review status: criteria provided, single submitter. Criteria: ACMG Guidelines, 2015. Collection method: research. Allele origin: unknown. Affected: yes. Observed: 1 compound heterozygote. Study: ThromboGenomics. Not counted in ClinVar's aggregate classification.

Genetic Services Laboratory, University of Chicago
Classification: Likely benign. Last evaluated: 2018-08-03. Review status: criteria provided, single submitter. Criteria: ACMG Guidelines, 2015. Collection method: clinical testing. Allele origin: germline. Affected: no. Not counted in ClinVar's aggregate classification.

GeneDx
Classification: Likely benign. Last evaluated: 2017-01-20. Review status: criteria provided, single submitter. Criteria: GeneDx Variant Classification (06012015). Collection method: clinical testing. Allele origin: germline. Affected: yes. Not counted in ClinVar's aggregate classification.
Comment: This variant is considered likely benign or benign based on one or more of the following criteria: it is a conservative change, it occurs at a poorly conserved position in the protein, it is predicted to be benign by multiple in silico algorithms, and/or has population frequency not consistent with disease.

PreventionGenetics, part of Exact Sciences
Classification: Likely benign. Review status: criteria provided, single submitter. Criteria: ACMG Guidelines, 2015. Collection method: clinical testing. Allele origin: germline. Not counted in ClinVar's aggregate classification.

Academic Unit of Haematology, University of Sheffield
No classification provided. Review status: no classification provided. Collection method: not provided. Allele origin: not provided. Not counted in ClinVar's aggregate classification.

ISTH-SSC Genomics in Thrombosis and Hemostasis, KU Leuven, Center for Molecular and Vascular Biology
Classification: Uncertain significance for von Willebrand disorder. Review status: no assertion criteria provided. Collection method: research. Allele origin: unknown. Affected: yes. Not counted in ClinVar's aggregate classification.
Comment: Submitted to GoldVariant by Dr Karyn Mégy from NIHR Bioresource - Cambridge University, UK

Literature cited by the submitters: PubMed 31064749 (cited by Quest Diagnostics Nichols Institute San Juan Capistrano and NIHR Bioresource Rare Diseases, University of Cambridge); PubMed 17190853 (cited by Quest Diagnostics Nichols Institute San Juan Capistrano); PubMed 22197721 (cited by Quest Diagnostics Nichols Institute San Juan Capistrano); PubMed 16115133 (cited by Quest Diagnostics Nichols Institute San Juan Capistrano); PubMed 30488424 (cited by Quest Diagnostics Nichols Institute San Juan Capistrano); PubMed 33711653 (cited by Quest Diagnostics Nichols Institute San Juan Capistrano); PubMed 23179108 (cited by Quest Diagnostics Nichols Institute San Juan Capistrano).